The following is an entry in ClinVar:

ClinVar aggregate classification (germline): Uncertain significance (1 of 4 stars; one submission).

Submission:

CeGaT Center for Human Genetics Tuebingen
Classification: Uncertain significance. Last evaluated: 2025-11-01. Review status: criteria provided, single submitter. Criteria: CeGaT Center For Human Genetics Tuebingen Variant Classification Criteria Version 2. Collection method: clinical testing. Allele origin: germline. Affected: yes. Observed: 1 variant allele.
Comment: UGT1A1: PM2, BP4

NM_000463.3(UGT1A1):c.444G>A (p.Met148Ile)

Genes: UGT1A (UDP glucuronosyltransferase family 1 member A complex locus; plus strand), UGT1A1 (UDP glucuronosyltransferase family 1 member A1; plus strand), UGT1A10 (UDP glucuronosyltransferase family 1 member A10; plus strand), UGT1A3 (UDP glucuronosyltransferase family 1 member A3; plus strand), UGT1A4 (UDP glucuronosyltransferase family 1 member A4; plus strand) and 5 more. Cytogenetic location: 2q37.1.
Variant type: single nucleotide variant.
Coding change: c.444G>A on transcript NM_000463.3 (MANE Select); coding-DNA position 444, G replaced by A.
Protein change: p.Met148Ile; replaces methionine 148 with isoleucine.
Molecular consequence: missense variant. On other transcripts: intron variant (9).
Genome position (GRCh38, 1-based): chr2:233,760,731, G>A. VCF-style: chr2-233760731-G-A. GRCh37 (hg19) VCF-style: chr2-234669377-G-A.
Other names: c.856-6303G>A (NM_019076.5, NM_019075.4, NM_021027.3 and 1 more transcripts); c.61-6303G>A (NM_205862.3); c.862-6303G>A (NM_001072.4); c.868-6303G>A (NM_019078.2, NM_007120.3, NM_019093.4); short protein forms M148I.
Identifiers: ClinVar variation 4534819 (VCV004534819.6).